The following is an entry in ClinVar:

NM_139276.3(STAT3):c.581C>T (p.Ser194Leu)

Genes: STAT3 (signal transducer and activator of transcription 3; minus strand), LOC130060889 (ATAC-STARR-seq lymphoblastoid silent region 8525; plus strand). Cytogenetic location: 17q21.2.
Variant type: single nucleotide variant.
Coding change: c.581C>T on transcript NM_139276.3 (MANE Select); coding-DNA position 581, C replaced by T.
Protein change: p.Ser194Leu; replaces serine 194 with leucine.
Molecular consequence: missense variant.
Genome position (GRCh38, 1-based): chr17:42,337,827, G>A on the plus strand (C>T on the coding strand, the complement: STAT3 is on the minus strand). VCF-style: chr17-42337827-G-A. GRCh37 (hg19) VCF-style: chr17-40489845-G-A.
Other names: c.581C>T, p.Ser194Leu (NM_001369512.1, NM_001369513.1, NM_001369514.1 and 7 more transcripts); short protein forms S194L.
Identifiers: ClinVar variation 950289 (VCV000950289.11), dbSNP rs895801743, ClinGen allele CA290743001.

ClinVar aggregate classification (germline): Conflicting classifications of pathogenicity. Review status: criteria provided, conflicting classifications (1 of 4 stars). 2 submissions from 2 submitters: Uncertain significance (1); Likely benign (1). Last evaluated 2025-08-19.

Conditions:
Hyper-IgE recurrent infection syndrome 1, autosomal dominant. Also called: STAT3 Hyper IgE Syndrome; Hyper-IgE recurrent infection syndrome 1; HYPER-IgE SYNDROME 1, AUTOSOMAL DOMINANT, WITH RECURRENT INFECTIONS; Job's Syndrome; JOB SYNDROME. Identifiers: Orphanet 2314, MedGen C2936739, MONDO:0007818, OMIM 147060.
STAT3 gain of function. Identifiers: MedGen C4288261.

Allele frequency attached by ClinVar (database versions not stated): gnomAD exomes below 0.00001 and 0.00001; gnomAD 0.00002; TOPMed 0.00002.
gnomAD v4.1: 8 of 1,614,048 alleles (0.0005%); highest among the groups gnomAD compares: Non-Finnish European, 0.00059%; no homozygotes.

Submissions (2):

Labcorp Genetics (formerly Invitae), Labcorp
Classification: Likely benign for STAT3 gain of function; Hyper-IgE recurrent infection syndrome 1, autosomal dominant. Last evaluated: 2025-08-19. Review status: criteria provided, single submitter. Criteria: Invitae Variant Classification Sherloc (09022015). Collection method: clinical testing. Allele origin: germline.

GeneDx
Classification: Uncertain significance. Last evaluated: 2020-02-11. Review status: criteria provided, single submitter. Criteria: GeneDx Variant Classification Process June 2021. Collection method: clinical testing. Allele origin: germline. Affected: yes.
Comment: Not observed at a significant frequency in large population cohorts (Lek et al., 2016); In silico analysis supports that this missense variant does not alter protein structure/function; Has not been previously published as pathogenic or benign to our knowledge